The following is an entry in ClinVar:

ClinVar aggregate classification (germline): Pathogenic. Review status: criteria provided, multiple submitters, no conflicts (2 of 4 stars). 4 submissions from 4 submitters: Pathogenic (4). Last evaluated 2023-08-21.

Conditions:
Familial X-linked hypophosphatemic vitamin D refractory rickets (XLHRD). Also called: Hypophosphatemia, vitamin D-resistant rickets; Vitamin D-resistant rickets, X-linked; X-Linked Hypophosphatemia; Hypophosphatemic Rickets, X-Linked Dominant; HYPOPHOSPHATEMIC VITAMIN D-RESISTANT RICKETS. Identifiers: Orphanet 89936, MedGen C0733682, MONDO:0010619, OMIM 307800.

Submissions (4):

Illumina Laboratory Services, Illumina
Classification: Pathogenic for Familial X-linked hypophosphatemic vitamin D refractory rickets. Last evaluated: 2023-08-21. Review status: criteria provided, single submitter. Criteria: ICSLVariantClassificationCriteria RUGD 01 April 2020. Collection method: clinical testing. Allele origin: unknown.
Comment: The PHEX c.2071-1G>A variant results in a substitution at the consensus splice acceptor site, which may result in splicing defects. This variant has been identified in one individual with a phenotype consistent with X-linked hypophosphatemia (PMID: 12414858;30682568).This variant is not observed in version 2.1.1 or version 3.1.2 of the Genome Aggregation Database. This variant was identified in a de novo state. Based on the available evidence, the c.2071-1G>A variant is classified as pathogenic for X-linked hypophosphatemia.

GeneDx
Classification: Pathogenic. Last evaluated: 2021-02-23. Review status: criteria provided, single submitter. Criteria: GeneDx Variant Classification Process June 2021. Collection method: clinical testing. Allele origin: germline. Affected: yes.
Comment: Canonical splice site variant predicted to result in a null allele in a gene for which loss-of-function is a known mechanism of disease; Not observed in large population cohorts (Lek et al., 2016); This variant is associated with the following publications: (PMID: 25525159, 12414858, 30682568)

Labcorp Genetics (formerly Invitae), Labcorp
Classification: Pathogenic. Last evaluated: 2020-01-10. Review status: criteria provided, single submitter. Criteria: Invitae Variant Classification Sherloc (09022015). Collection method: clinical testing. Allele origin: germline.
Comment: For these reasons, this variant has been classified as Pathogenic. Donor and acceptor splice site variants typically lead to a loss of protein function (PMID: 16199547), and loss-of-function variants in PHEX are known to be pathogenic (PMID: 9097956, 9106524, 19219621). Algorithms developed to predict the effect of sequence changes on RNA splicing suggest that this variant may disrupt the consensus splice site, but this prediction has not been confirmed by published transcriptional studies. This variant has been observed in individual(s) affected with hypophosphatemic rickets (PMID: 12414858, Invitae). ClinVar contains an entry for this variant (Variation ID: 280087). This variant is not present in population databases (ExAC no frequency). This sequence change affects an acceptor splice site in intron 20 of the PHEX gene. It is expected to disrupt RNA splicing and likely results in an absent or disrupted protein product.

Institute of Human Genetics Munich, TUM University Hospital
Classification: Pathogenic for Familial X-linked hypophosphatemic vitamin D refractory rickets. Last evaluated: 2013-11-06. Review status: criteria provided, single submitter. Criteria: Classification criteria August 2017. Collection method: clinical testing. Allele origin: germline. Inheritance: X-linked inheritance. Affected: yes. Observed: 1 heterozygote.

Literature cited by the submitters: PubMed 30682568 (cited by Illumina Laboratory Services, Illumina); PubMed 12414858 (cited by Illumina Laboratory Services, Illumina and Labcorp Genetics (formerly Invitae), Labcorp); PubMed 16199547 (cited by Labcorp Genetics (formerly Invitae), Labcorp); PubMed 9097956 (cited by Labcorp Genetics (formerly Invitae), Labcorp); PubMed 9106524 (cited by Labcorp Genetics (formerly Invitae), Labcorp); PubMed 19219621 (cited by Labcorp Genetics (formerly Invitae), Labcorp).

NM_000444.6(PHEX):c.2071-1G>A

Genes: PHEX (phosphate regulating endopeptidase X-linked; plus strand), PTCHD1-AS (PTCHD1 and PHEX antisense RNA; minus strand). Cytogenetic location: Xp22.11.
Variant type: single nucleotide variant.
Coding change: c.2071-1G>A on transcript NM_000444.6 (MANE Select); the canonical splice acceptor site of the intron before coding-DNA position 2071, G replaced by A.
Molecular consequence: splice acceptor variant. On other transcripts: intron variant (1).
Genome position (GRCh38, 1-based): chrX:22,245,332, G>A. VCF-style: chrX-22245332-G-A. GRCh37 (hg19) VCF-style: chrX-22263449-G-A.
Other names: c.2071-2519G>A (NM_001282754.2).
Identifiers: ClinVar variation 280087 (VCV000280087.15), dbSNP rs886041374, ClinGen allele CA10603657.